The following is an entry in ClinVar:

NM_021982.3(SEC24A):c.2071C>T (p.Leu691Phe)

Gene: SEC24A (SEC24 homolog A, COPII coat complex component; plus strand). Cytogenetic location: 5q31.1.
Variant type: single nucleotide variant.
Coding change: c.2071C>T on transcript NM_021982.3 (MANE Select); coding-DNA position 2071, C replaced by T.
Protein change: p.Leu691Phe; replaces leucine 691 with phenylalanine.
Molecular consequence: missense variant.
Genome position (GRCh38, 1-based): chr5:134,697,210, C>T. VCF-style: chr5-134697210-C-T. GRCh37 (hg19) VCF-style: chr5-134032900-C-T.
Other names: NM_021982.3:c.2071C>T; short protein forms L691F.
Identifiers: ClinVar variation 3383314 (VCV003383314.1).
Genomic context (GRCh38, chr5:134,697,210, plus strand): 5'-GACTTCTATAAGAAATTAGCCTTGGACTGTTCTGGTCAGCAAGTTGCTGTTGACTTATTC[C>T]TTCTCAGTGGACAGTATTCTGATTTGGCTTCTCTGGGTAAGTTCTTCGTAATGATTTTTT-3'
Protein context (NP_068817.1, residues 681-701): SGQQVAVDLF[Leu691Phe]LSGQYSDLAS

ClinVar aggregate classification (germline): Uncertain significance (1 of 4 stars; one submission).

Conditions:
Progressive spinal muscular atrophy. Identifiers: Orphanet 454706, MedGen C4082951, MONDO:0018687, HP:0009067.

gnomAD v4.1: 359 of 1,605,244 alleles (0.022%); highest among the groups gnomAD compares: Non-Finnish European, 0.023%; 1 homozygote.

Submission:

Broad Center for Mendelian Genomics, Broad Institute of MIT and Harvard
Classification: Uncertain significance for Progressive spinal muscular atrophy. Last evaluated: 2024-11-26. Review status: criteria provided, single submitter. Criteria: ACMG Guidelines, 2015. Collection method: curation. Allele origin: germline. Inheritance: Autosomal recessive inheritance. Study: GREGoR Consortium.
Comment: While this gene is still lacking sufficient evidence to establish a gene-disease relationship, we believe this is a possible novel gene candidate for progressive muscular atrophy. Given the limited information about this gene-disease relationship, the significance of the p.Leu691Phe variant is uncertain. If you have any additional information about functional evidence or other individuals with this phenotype that also have variants in SEC24A we encourage you to reach out to us.